The following is an entry in ClinVar:

ClinVar aggregate classification (germline): Uncertain significance (1 of 4 stars; one submission).

Conditions:
Gallbladder disease 4 (GBD4). Identifiers: MedGen C1969115, MONDO:1010151, OMIM 611465.
Sitosterolemia 1. Identifiers: MedGen C2749759, MONDO:0020747, OMIM 210250.

Submission:

Juno Genomics, Hangzhou Juno Genomics, Inc
Classification: Uncertain significance for Sitosterolemia 1; Gallbladder disease 4. Review status: criteria provided, single submitter. Criteria: ACMG Guidelines, 2015. Collection method: clinical testing. Allele origin: germline.
Comment: Absent from controls (or at extremely low frequency if recessive) in Genome Aggregation Database.;Multiple lines of computational evidence support a deleterious effect on the gene or gene product.

NM_022437.3(ABCG8):c.731A>T (p.Asp244Val)

Gene: ABCG8 (ATP binding cassette subfamily G member 8; plus strand). Cytogenetic location: 2p21.
Variant type: single nucleotide variant.
Coding change: c.731A>T on transcript NM_022437.3 (MANE Select); coding-DNA position 731, A replaced by T.
Protein change: p.Asp244Val; replaces aspartic acid 244 with valine.
Molecular consequence: missense variant.
Genome position (GRCh38, 1-based): chr2:43,852,635, A>T. VCF-style: chr2-43852635-A-T. GRCh37 (hg19) VCF-style: chr2-44079774-A-T.
Other names: c.731A>T, p.Asp244Val (NM_001357321.2); short protein forms D244V.
Identifiers: ClinVar variation 5006293 (VCV005006293.2).